The following is an entry in ClinVar:

ClinVar aggregate classification (germline): Uncertain significance. Review status: criteria provided, multiple submitters, no conflicts (2 of 4 stars). 2 submissions from 2 submitters: Uncertain significance (2). Last evaluated 2026-02-17.

Conditions:
POLD1-related polyposis and colorectal cancer syndrome (CRCS10). Also called: Colorectal cancer 10; COLORECTAL CANCER, SUSCEPTIBILITY TO, ON CHROMOSOME 19q; Colorectal cancer, susceptibility to, 10. Identifiers: Orphanet 220460, MedGen C2675481, MONDO:0012953, OMIM 612591.
Hereditary cancer-predisposing syndrome. Also called: Tumor predisposition; Neoplastic Syndromes, Hereditary; Hereditary Cancer Syndrome; Hereditary neoplastic syndrome. Identifiers: Orphanet 140162, MedGen C0027672, MeSH D009386, MONDO:0015356.

gnomAD v4.1: 1 of 1,586,386 alleles (0.000063%); no homozygotes.

Submissions (6):

Ambry Genetics
Classification: Uncertain significance for Hereditary cancer-predisposing syndrome. Last evaluated: 2026-02-17. Review status: criteria provided, single submitter. Criteria: Ambry Variant Classification Scheme 2023. Collection method: clinical testing. Allele origin: germline.
Comment: The c.970+1G>A intronic variant results from a G to A substitution one nucleotide after coding exon 7 of the POLD1 gene. This nucleotide position is highly conserved in available vertebrate species. In silico splice site analysis predicts that this alteration will weaken the native splice donor site. Variants that disrupt the canonical splice site are expected to cause aberrant splicing, resulting in an abnormal protein or a transcript that is subject to nonsense-mediated mRNA decay. However, loss of function of POLD1 has not been established as a mechanism of disease. Based on the available evidence, the clinical significance of this variant remains unclear.

Labcorp Genetics (formerly Invitae), Labcorp
Classification: Uncertain significance for POLD1-related polyposis and colorectal cancer syndrome. Last evaluated: 2023-10-09. Review status: criteria provided, single submitter. Criteria: Invitae Variant Classification Sherloc (09022015). Collection method: clinical testing. Allele origin: germline.
Comment: This sequence change affects a donor splice site in intron 8 of the POLD1 gene. Missense variants that disrupt the 3'-5' exonuclease (proof-reading) activity of the POLD1 protein are associated with PPAP (polymerase proofreading–associated polyposis) (PMID: 23263490, 23447401). However, loss-of-function variants that result in an absent or severely disrupted POLD1 protein, and missense variants outside the exonuclease domain, are unlikely to be associated with PPAP. This variant is not present in population databases (gnomAD no frequency). This variant has not been reported in the literature in individuals affected with POLD1-related conditions. ClinVar contains an entry for this variant (Variation ID: 537101). Algorithms developed to predict the effect of sequence changes on RNA splicing suggest that this variant may disrupt the consensus splice site. In summary, the available evidence is currently insufficient to determine the role of this variant in disease. Therefore, it has been classified as a Variant of Uncertain Significance.

Dr. Peter K. Rogan Lab, Western University
No classification provided (evidence only). Condition: Ovarian serous cystadenocarcinoma. Review status: no classification provided. Collection method: in vitro. Allele origin: not applicable. Functional consequence: retained intron. Not counted in ClinVar's aggregate classification.

Dr. Peter K. Rogan Lab, Western University
No classification provided (evidence only). Condition: Ovarian serous cystadenocarcinoma. Review status: no classification provided. Collection method: in vitro. Allele origin: not applicable. Functional consequence: retained intron. Not counted in ClinVar's aggregate classification.

Dr. Peter K. Rogan Lab, Western University
No classification provided (evidence only). Condition: Ovarian serous cystadenocarcinoma. Review status: no classification provided. Collection method: in vitro. Allele origin: not applicable. Functional consequence: retained intron. Not counted in ClinVar's aggregate classification.

Dr. Peter K. Rogan Lab, Western University
No classification provided (evidence only). Condition: Ovarian serous cystadenocarcinoma. Review status: no classification provided. Collection method: in vitro. Allele origin: not applicable. Functional consequence: retained intron. Not counted in ClinVar's aggregate classification.

Literature cited by the submitters: PubMed 23263490 (cited by Labcorp Genetics (formerly Invitae), Labcorp); PubMed 23447401 (cited by Labcorp Genetics (formerly Invitae), Labcorp).

NM_002691.4(POLD1):c.970+1G>A

Gene: POLD1 (DNA polymerase delta 1, catalytic subunit; plus strand). Cytogenetic location: 19q13.33.
Variant type: single nucleotide variant.
Coding change: c.970+1G>A on transcript NM_002691.4 (MANE Select); the canonical splice donor site of the intron after coding-DNA position 970, G replaced by A.
Molecular consequence: splice donor variant.
Genome position (GRCh38, 1-based): chr19:50,402,742, G>A. VCF-style: chr19-50402742-G-A. GRCh37 (hg19) VCF-style: chr19-50905999-G-A.
Other names: c.970+1G>A (NM_001256849.1, NM_001308632.1).
Identifiers: ClinVar variation 537101 (VCV000537101.15), dbSNP rs1337231648, ClinGen allele CA406977501.